The following is an entry in ClinVar:

NM_004795.4(KL):c.3020G>A (p.Gly1007Asp)

Gene: KL (klotho; plus strand). Cytogenetic location: 13q13.1.
Variant type: single nucleotide variant.
Coding change: c.3020G>A on transcript NM_004795.4 (MANE Select); coding-DNA position 3020, G replaced by A.
Protein change: p.Gly1007Asp; replaces glycine 1007 with aspartic acid.
Molecular consequence: missense variant.
Genome position (GRCh38, 1-based): chr13:33,064,167, G>A. VCF-style: chr13-33064167-G-A. GRCh37 (hg19) VCF-style: chr13-33638304-G-A.
Other names: short protein forms G1007D.
Identifiers: ClinVar variation 1721914 (VCV001721914.5), dbSNP rs1439029315, ClinGen allele CA387801091.
Genomic context (GRCh38, chr13:33,064,167, plus strand): 5'-CTTTTCTATTTTTTGCTTCTATTATTTCTCTCTCCCTTATATTTTACTACTCGAAGAAAG[G>A]CAGAAGAAGTTACAAATAGTTCTGAACATTTTTCTATTCATTCATTTTGAAATAATTATG-3'
Protein context (NP_004786.2, residues 997-1012): LSLIFYYSKK[Gly1007Asp]RRSYK

ClinVar aggregate classification (germline): Uncertain significance (1 of 4 stars; one submission).

Allele frequency attached by ClinVar (database versions not stated): gnomAD exomes below 0.00001; TOPMed below 0.00001.
gnomAD v4.1: 1 of 1,606,200 alleles (0.000062%); highest among the groups gnomAD compares: Admixed American, 0.0017%; no homozygotes.

Submission:

Labcorp Genetics (formerly Invitae), Labcorp
Classification: Uncertain significance. Last evaluated: 2022-10-19. Review status: criteria provided, single submitter. Criteria: Invitae Variant Classification Sherloc (09022015). Collection method: clinical testing. Allele origin: germline.
Comment: Advanced modeling of protein sequence and biophysical properties (such as structural, functional, and spatial information, amino acid conservation, physicochemical variation, residue mobility, and thermodynamic stability) performed at Invitae indicates that this missense variant is not expected to disrupt KL protein function. This sequence change replaces glycine, which is neutral and non-polar, with aspartic acid, which is acidic and polar, at codon 1007 of the KL protein (p.Gly1007Asp). This variant is present in population databases (no rsID available, gnomAD 0.003%). This variant has not been reported in the literature in individuals affected with KL-related conditions. In summary, the available evidence is currently insufficient to determine the role of this variant in disease. Therefore, it has been classified as a Variant of Uncertain Significance.